The following is an entry in ClinVar:

NM_006531.5(IFT88):c.1588A>C (p.Lys530Gln)

Gene: IFT88 (intraflagellar transport 88; plus strand). Cytogenetic location: 13q12.11.
Variant type: single nucleotide variant.
Coding change: c.1588A>C on transcript NM_006531.5 (MANE Select); coding-DNA position 1588, A replaced by C.
Protein change: p.Lys530Gln; replaces lysine 530 with glutamine.
Molecular consequence: missense variant. On other transcripts: non-coding transcript variant (4).
Genome position (GRCh38, 1-based): chr13:20,641,304, A>C. VCF-style: chr13-20641304-A-C. GRCh37 (hg19) VCF-style: chr13-21215443-A-C.
Other names: c.1531A>C, p.Lys511Gln (NM_001318491.2, NM_001353575.2); c.1615A>C, p.Lys539Gln (NM_001318493.2, NM_001353565.2, NM_001353566.2 and 2 more transcripts); c.1588A>C, p.Lys530Gln (NM_001353568.2, NM_001353572.2); c.1513A>C, p.Lys505Gln (NM_001353569.2, NM_001353570.2, NM_001353576.2 and 1 more transcripts); c.1486A>C, p.Lys496Gln (NM_001353571.2, NM_001353578.2); c.1444A>C, p.Lys482Gln (NM_001353573.2); c.1429A>C, p.Lys477Gln (NM_001353574.2); c.955A>C, p.Lys319Gln (NM_001353579.2); short protein forms K505Q, K511Q, K477Q, K482Q, K496Q, K319Q, K530Q, K539Q.
Identifiers: ClinVar variation 2833967 (VCV002833967.3), dbSNP rs1268420195, ClinGen allele CA387473909.
Genomic context (GRCh38, chr13:20,641,304, plus strand): 5'-CAATAATGATACTTATAGATTTTCTTTTTTTTCTTCTTTTTTTAAGGCCTTACCTATGAG[A>C]AACTAAATCGGCTAGATGAGGCTTTGGACTGTTTCCTGAAACTTCACGCAATCCTACGAA-3'
Protein context (NP_006522.2, residues 520-540): ALYNIGLTYE[Lys530Gln]LNRLDEALDC

ClinVar aggregate classification (germline): Uncertain significance (1 of 4 stars; one submission).

Submission:

Labcorp Genetics (formerly Invitae), Labcorp
Classification: Uncertain significance. Last evaluated: 2023-03-14. Review status: criteria provided, single submitter. Criteria: Invitae Variant Classification Sherloc (09022015). Collection method: clinical testing. Allele origin: germline.
Comment: An algorithm developed to predict the effect of missense changes on protein structure and function (PolyPhen-2) suggests that this variant is likely to be tolerated. This sequence change replaces lysine, which is basic and polar, with glutamine, which is neutral and polar, at codon 539 of the IFT88 protein (p.Lys539Gln). This variant is not present in population databases (gnomAD no frequency). This variant has not been reported in the literature in individuals affected with IFT88-related conditions. In summary, the available evidence is currently insufficient to determine the role of this variant in disease. Therefore, it has been classified as a Variant of Uncertain Significance.